The following is an entry in ClinVar:

ClinVar aggregate classification (germline): Uncertain significance (1 of 4 stars; one submission).

Conditions:
Familial hemiplegic migraine. Identifiers: MedGen C0338484, MONDO:0000700.

Allele frequency attached by ClinVar (database versions not stated): gnomAD exomes below 0.00001.
gnomAD v4.1: 6 of 1,601,662 alleles (0.00037%); highest among the groups gnomAD compares: Non-Finnish European, 0.00043%; no homozygotes.

Submission:

Labcorp Genetics (formerly Invitae), Labcorp
Classification: Uncertain significance for Familial hemiplegic migraine. Last evaluated: 2023-08-17. Review status: criteria provided, single submitter. Criteria: Invitae Variant Classification Sherloc (09022015). Collection method: clinical testing. Allele origin: germline.
Comment: In summary, the available evidence is currently insufficient to determine the role of this variant in disease. Therefore, it has been classified as a Variant of Uncertain Significance. Variants that disrupt the consensus splice site are a relatively common cause of aberrant splicing (PMID: 17576681, 9536098). Algorithms developed to predict the effect of sequence changes on RNA splicing suggest that this variant is not likely to affect RNA splicing. ClinVar contains an entry for this variant (Variation ID: 1514709). This variant has not been reported in the literature in individuals affected with ATP1A2-related conditions. This variant is not present in population databases (gnomAD no frequency). This sequence change falls in intron 1 of the ATP1A2 gene. It does not directly change the encoded amino acid sequence of the ATP1A2 protein. It affects a nucleotide within the consensus splice site.

Literature cited by the submitters: PubMed 17576681; PubMed 9536098.

NM_000702.4(ATP1A2):c.12+3G>A

Gene: ATP1A2 (ATPase Na+/K+ transporting subunit alpha 2; plus strand). Cytogenetic location: 1q23.2.
Variant type: single nucleotide variant.
Coding change: c.12+3G>A on transcript NM_000702.4 (MANE Select); 3 bases into the intron after coding-DNA position 12, G replaced by A.
Molecular consequence: intron variant.
Genome position (GRCh38, 1-based): chr1:160,115,876, G>A. VCF-style: chr1-160115876-G-A. GRCh37 (hg19) VCF-style: chr1-160085666-G-A.
Identifiers: ClinVar variation 1514709 (VCV001514709.6), dbSNP rs2101980042, ClinGen allele CA2544424591.
Genomic context (GRCh38, chr1:160,115,876, plus strand): 5'-CCTGGTGACCTCTCCCGCTAAGGTCCCTCAGCCACTCTGCCCCAAGATGGGCCGTGGGGT[G>A]AGTATCCCTAAAGAGCAGGGGTCGCAGTCTAGAGGGTGAGGGAGGCTGCTGAGGAAGGAT-3'